The following is an entry in ClinVar:

NC_000002.11:g.(?_73746892)_(73762086_?)del

Gene: ALMS1 (ALMS1 centrosome and basal body associated protein; plus strand). Cytogenetic location: 2p13.1.
Variant type: Deletion.
Identifiers: ClinVar variation 1070275 (VCV001070275.3).

ClinVar aggregate classification (germline): Pathogenic (1 of 4 stars; one submission).

Conditions:
Alstrom syndrome (ALMS). Identifiers: Orphanet 64, MedGen C0268425, MONDO:0008763, OMIM 203800.

Submission:

Labcorp Genetics (formerly Invitae), Labcorp
Classification: Pathogenic for Alstrom syndrome. Last evaluated: 2022-03-18. Review status: criteria provided, single submitter. Criteria: Invitae Variant Classification Sherloc (09022015). Collection method: clinical testing. Allele origin: germline.
Comment: This variant has not been reported in the literature in individuals affected with ALMS1-related conditions. This variant is a gross deletion of the genomic region encompassing exon(s) 11-12 of the ALMS1 gene. This deletion is out-of-frame, and is expected to create a premature termination codon and result in an absent or disrupted protein product. Loss-of-function variants in ALMS1 are known to be pathogenic (PMID: 17594715). For these reasons, this variant has been classified as Pathogenic.

Literature cited by the submitters: PubMed 17594715.